The following is an entry in ClinVar:

ClinVar aggregate classification (germline): Uncertain significance. Review status: criteria provided, multiple submitters, no conflicts (2 of 4 stars). 2 submissions from 2 submitters: Uncertain significance (2). Last evaluated 2023-04-28.

Conditions:
Cardiovascular phenotype. Identifiers: MedGen CN230736.
Desmin-related myofibrillar myopathy (MFM1). Also called: MYOFIBRILLAR MYOPATHY WITH ARRHYTHMOGENIC RIGHT VENTRICULAR CARDIOMYOPATHY; DESMIN-RELATED MYOPATHY WITH ARRHYTHMOGENIC RIGHT VENTRICULAR CARDIOMYOPATHY; Myofibrillar myopathy 1; Desminopathy; Desmin related myopathy (former name); Desmin storage myopathy (former name). Identifiers: Orphanet 363543, Orphanet 98909, MedGen C1832370, MONDO:0011076, OMIM 601419.

Allele frequency attached by ClinVar (database versions not stated): gnomAD exomes below 0.00001; ExAC 0.00001.
gnomAD v4.1: 1 of 1,604,280 alleles (0.000062%); highest among the groups gnomAD compares: African/African-American, 0.0013%; no homozygotes.

Submissions (2):

Ambry Genetics
Classification: Uncertain significance for Cardiovascular phenotype. Last evaluated: 2023-04-28. Review status: criteria provided, single submitter. Criteria: Ambry Variant Classification Scheme 2023. Collection method: clinical testing. Allele origin: germline.
Comment: The p.G39S variant (also known as c.115G>A), located in coding exon 1 of the DES gene, results from a G to A substitution at nucleotide position 115. The glycine at codon 39 is replaced by serine, an amino acid with similar properties. This amino acid position is not well conserved in available vertebrate species. In addition, this alteration is predicted to be tolerated by in silico analysis. Since supporting evidence is limited at this time, the clinical significance of this alteration remains unclear.

Labcorp Genetics (formerly Invitae), Labcorp
Classification: Uncertain significance for Desmin-related myofibrillar myopathy. Last evaluated: 2021-08-20. Review status: criteria provided, single submitter. Criteria: Invitae Variant Classification Sherloc (09022015). Collection method: clinical testing. Allele origin: germline.

NM_001927.4(DES):c.115G>A (p.Gly39Ser)

Gene: DES (desmin; plus strand). Cytogenetic location: 2q35.
Variant type: single nucleotide variant.
Coding change: c.115G>A on transcript NM_001927.4 (MANE Select); coding-DNA position 115, G replaced by A.
Protein change: p.Gly39Ser; replaces glycine 39 with serine.
Molecular consequence: missense variant.
Genome position (GRCh38, 1-based): chr2:219,418,577, G>A. VCF-style: chr2-219418577-G-A. GRCh37 (hg19) VCF-style: chr2-220283299-G-A.
Other names: c.115G>A, p.Gly39Ser (NM_001382708.1, NM_001382709.1, NM_001382710.1 and 3 more transcripts); c.115G>A (NM_001927.3); short protein forms G39S.
Identifiers: ClinVar variation 1052401 (VCV001052401.6), dbSNP rs758434755, ClinGen allele CA2125027.